The following is an entry in ClinVar:

NM_012281.3(KCND2):c.913C>T (p.Arg305Cys)

Gene: KCND2 (potassium voltage-gated channel subfamily D member 2; plus strand). Cytogenetic location: 7q31.31.
Variant type: single nucleotide variant.
Coding change: c.913C>T on transcript NM_012281.3 (MANE Select); coding-DNA position 913, C replaced by T.
Protein change: p.Arg305Cys; replaces arginine 305 with cysteine.
Molecular consequence: missense variant.
Genome position (GRCh38, 1-based): chr7:120,275,545, C>T. VCF-style: chr7-120275545-C-T. GRCh37 (hg19) VCF-style: chr7-119915599-C-T.
Other names: short protein forms R305C.
Identifiers: ClinVar variation 1457866 (VCV001457866.6), dbSNP rs1236737877, ClinGen allele CA369132666.
Genomic context (GRCh38, chr7:120,275,545, plus strand): 5'-GTCAGCGGAGCCTTTGTCACACTCCGAGTCTTCCGGGTCTTCAGGATCTTTAAGTTTTCC[C>T]GCCACTCTCAAGGCCTGCGCATCCTGGGGTACACACTGAAGAGTTGTGCCTCAGAATTGG-3'
Protein context (NP_036413.1, residues 295-315): FRVFRIFKFS[Arg305Cys]HSQGLRILGY

ClinVar aggregate classification (germline): Pathogenic (1 of 4 stars; one submission).

Conditions:
Early Myoclonic Encephalopathy. Identifiers: MedGen C0270855.

Allele frequency attached by ClinVar (database versions not stated): gnomAD exomes below 0.00001.
gnomAD v4.1: 1 of 1,612,872 alleles (0.000062%); highest among the groups gnomAD compares: Non-Finnish European, 0.000085%; no homozygotes.

Submission:

Labcorp Genetics (formerly Invitae), Labcorp
Classification: Pathogenic for Early Myoclonic Encephalopathy. Last evaluated: 2021-09-10. Review status: criteria provided, single submitter. Criteria: Invitae Variant Classification Sherloc (09022015). Collection method: clinical testing. Allele origin: germline.
Comment: For these reasons, this variant has been classified as Pathogenic. Advanced modeling of protein sequence and biophysical properties (such as structural, functional, and spatial information, amino acid conservation, physicochemical variation, residue mobility, and thermodynamic stability) performed at Invitae indicates that this missense variant is expected to disrupt KCND2 protein function. This missense change has been observed in individual(s) with clinical features of epilepsy and autism spectrum disorder (Invitae). In at least one individual the variant was observed to be de novo. This variant is not present in population databases (ExAC no frequency). This sequence change replaces arginine with cysteine at codon 305 of the KCND2 protein (p.Arg305Cys). The arginine residue is highly conserved and there is a large physicochemical difference between arginine and cysteine.